The following is an entry in ClinVar:

ClinVar aggregate classification (germline): Likely benign (0 of 4 stars; one submission).

Conditions:
TRIM32-related disorder. Also called: TRIM32-related condition.

Submission:

PreventionGenetics, part of Exact Sciences
Classification: Likely benign for TRIM32-related condition. Last evaluated: 2024-07-10. Review status: no assertion criteria provided. Collection method: clinical testing. Allele origin: germline.
Comment: This variant is classified as likely benign based on ACMG/AMP sequence variant interpretation guidelines (Richards et al. 2015 PMID: 25741868, with internal and published modifications).

NM_012210.4(TRIM32):c.1156C>T (p.Leu386=)

Genes: ASTN2 (astrotactin 2; minus strand), TRIM32 (tripartite motif containing 32; plus strand). Cytogenetic location: 9q33.1.
Variant type: single nucleotide variant.
Coding change: c.1156C>T on transcript NM_012210.4 (MANE Select); coding-DNA position 1156, C replaced by T.
Protein change: p.Leu386=; no amino-acid change (leucine 386 retained).
Molecular consequence: synonymous variant. On other transcripts: intron variant (3).
Genome position (GRCh38, 1-based): chr9:116,698,898, C>T. VCF-style: chr9-116698898-C-T. GRCh37 (hg19) VCF-style: chr9-119461177-C-T.
Other names: c.2653+26873G>A (NM_014010.5); c.2794+26873G>A (NM_001365069.1); c.2806+26873G>A (NM_001365068.1); c.1156C>T, p.Leu386= (NM_001099679.2, NM_001379048.1, NM_001379049.1 and 1 more transcripts).
Identifiers: ClinVar variation 3346443 (VCV003346443.1).